The following is an entry in ClinVar:

ClinVar aggregate classification (germline): Uncertain significance. Review status: criteria provided, multiple submitters, no conflicts (2 of 4 stars). 2 submissions from 2 submitters: Uncertain significance (2). Last evaluated 2025-12-06.

Conditions:
Inborn genetic diseases. Identifiers: MedGen C0950123, MeSH D030342.

Allele frequency attached by ClinVar (database versions not stated): gnomAD 0.00001; gnomAD exomes 0.00003; TOPMed 0.00003; ExAC 0.00004.
gnomAD v4.1: 18 of 1,614,110 alleles (0.0011%); highest among the groups gnomAD compares: South Asian, 0.0022%; no homozygotes.

Submissions (2):

Labcorp Genetics (formerly Invitae), Labcorp
Classification: Uncertain significance. Last evaluated: 2025-12-06. Review status: criteria provided, single submitter. Criteria: Invitae Variant Classification Sherloc (09022015). Collection method: clinical testing. Allele origin: germline.
Comment: This sequence change replaces asparagine, which is neutral and polar, with serine, which is neutral and polar, at codon 428 of the LEMD3 protein (p.Asn428Ser). This variant is present in population databases (rs749097407, gnomAD 0.005%). This variant has not been reported in the literature in individuals affected with LEMD3-related conditions. ClinVar contains an entry for this variant (Variation ID: 1393096). Invitae Evidence Modeling of protein sequence and biophysical properties (such as structural, functional, and spatial information, amino acid conservation, physicochemical variation, residue mobility, and thermodynamic stability) indicates that this missense variant is not expected to disrupt LEMD3 protein function with a negative predictive value of 80%. In summary, the available evidence is currently insufficient to determine the role of this variant in disease. Therefore, it has been classified as a Variant of Uncertain Significance.

Ambry Genetics
Classification: Uncertain significance for Inborn genetic diseases. Last evaluated: 2024-11-25. Review status: criteria provided, single submitter. Criteria: Ambry Variant Classification Scheme 2023. Collection method: clinical testing. Allele origin: germline.

NM_014319.5(LEMD3):c.1283A>G (p.Asn428Ser)

Gene: LEMD3 (LEM domain containing 3; plus strand). Cytogenetic location: 12q14.3.
Variant type: single nucleotide variant.
Coding change: c.1283A>G on transcript NM_014319.5 (MANE Select); coding-DNA position 1283, A replaced by G.
Protein change: p.Asn428Ser; replaces asparagine 428 with serine.
Molecular consequence: missense variant.
Genome position (GRCh38, 1-based): chr12:65,170,879, A>G. VCF-style: chr12-65170879-A-G. GRCh37 (hg19) VCF-style: chr12-65564659-A-G.
Other names: c.1283A>G, p.Asn428Ser (NM_001167614.2); c.1283A>G (NM_014319.4); short protein forms N428S.
Identifiers: ClinVar variation 1393096 (VCV001393096.9), dbSNP rs749097407, ClinGen allele CA6670880.